The following is an entry in ClinVar:

ClinVar aggregate classification (germline): Uncertain significance (1 of 4 stars; one submission).

Conditions:
Hereditary cancer-predisposing syndrome. Also called: Neoplastic Syndromes, Hereditary; Tumor predisposition; Hereditary Cancer Syndrome; Hereditary neoplastic syndrome. Identifiers: Orphanet 140162, MedGen C0027672, MeSH D009386, MONDO:0015356.
Cardiovascular phenotype. Identifiers: MedGen CN230736.

Submission:

Ambry Genetics
Classification: Uncertain significance for Cardiovascular phenotype; Hereditary cancer-predisposing syndrome. Last evaluated: 2022-10-31. Review status: criteria provided, single submitter. Criteria: Ambry Variant Classification Scheme 2023. Collection method: clinical testing. Allele origin: germline.
Comment: The p.S622T variant (also known as c.1864T>A), located in coding exon 16 of the LZTR1 gene, results from a T to A substitution at nucleotide position 1864. The serine at codon 622 is replaced by threonine, an amino acid with similar properties. This amino acid position is conserved. In addition, this alteration is predicted to be tolerated by in silico analysis. Since supporting evidence is limited at this time, the clinical significance of this alteration remains unclear.

NM_006767.4(LZTR1):c.1864T>A (p.Ser622Thr)

Gene: LZTR1 (leucine zipper like post translational regulator 1; plus strand). Cytogenetic location: 22q11.21.
Variant type: single nucleotide variant.
Coding change: c.1864T>A on transcript NM_006767.4 (MANE Select); coding-DNA position 1864, T replaced by A.
Protein change: p.Ser622Thr; replaces serine 622 with threonine.
Molecular consequence: missense variant.
Genome position (GRCh38, 1-based): chr22:20,994,948, T>A. VCF-style: chr22-20994948-T-A. GRCh37 (hg19) VCF-style: chr22-21349237-T-A.
Other names: short protein forms S622T.
Identifiers: ClinVar variation 1781563 (VCV001781563.3), dbSNP rs2518622492, ClinGen allele CA410778621.
Genomic context (GRCh38, chr22:20,994,948, plus strand): 5'-GTGGTAAAGGAGTCCCACTTCAACCAGGTGATCATGATGAAGGAGTTCGAGCGCCTCTCC[T>A]CTCCACTGATAGTGGAGATTGTGCGGCGGAAGCAGCAGCCGCCCCCTCGCACTCCCTTGG-3'
Protein context (NP_006758.2, residues 612-632): IMMKEFERLS[Ser622Thr]PLIVEIVRRK